The following is an entry in ClinVar:

NM_003664.5(AP3B1):c.739A>C (p.Met247Leu)

Gene: AP3B1 (adaptor related protein complex 3 subunit beta 1; minus strand). Cytogenetic location: 5q14.1.
Variant type: single nucleotide variant.
Coding change: c.739A>C on transcript NM_003664.5 (MANE Select); coding-DNA position 739, A replaced by C.
Protein change: p.Met247Leu; replaces methionine 247 with leucine.
Molecular consequence: missense variant.
Genome position (GRCh38, 1-based): chr5:78,216,102, T>G on the plus strand (A>C on the coding strand, the complement: AP3B1 is on the minus strand). VCF-style: chr5-78216102-T-G. GRCh37 (hg19) VCF-style: chr5-77511926-T-G.
Other names: c.592A>C, p.Met198Leu (NM_001271769.2); short protein forms M198L, M247L.
Identifiers: ClinVar variation 1419287 (VCV001419287.8), dbSNP rs1271543780, ClinGen allele CA360190807.
Genomic context (GRCh38, chr5:78,216,102, plus strand): 5'-GTTCAACACTTACCTCTTTCCAAGGGCTGACAAACTGTGTCCGAGCATATCGAGTTAGCA[T>G]GTGGATTATGACAACCTGCCCCCACTCTTCAACATCCACTAGTAAGTTACATAGCTTGCG-3'
Protein context (NP_003655.3, residues 237-257): EEWGQVVIIH[Met247Leu]LTRYARTQFV

ClinVar aggregate classification (germline): Uncertain significance (1 of 4 stars; one submission).

Conditions:
Hermansky-Pudlak syndrome 2 (HPS2). Also called: Platelet defects and oculocutaneous albinism. Identifiers: Orphanet 183678, Orphanet 79430, MedGen C1842362, MONDO:0011997, OMIM 608233.

Allele frequency attached by ClinVar (database versions not stated): gnomAD exomes below 0.00001; gnomAD 0.00001.
gnomAD v4.1: 5 of 1,613,932 alleles (0.00031%); highest among the groups gnomAD compares: Non-Finnish European, 0.00034%; no homozygotes.

Submission:

Labcorp Genetics (formerly Invitae), Labcorp
Classification: Uncertain significance for Hermansky-Pudlak syndrome 2. Last evaluated: 2022-01-14. Review status: criteria provided, single submitter. Criteria: Invitae Variant Classification Sherloc (09022015). Collection method: clinical testing. Allele origin: germline.
Comment: In summary, the available evidence is currently insufficient to determine the role of this variant in disease. Therefore, it has been classified as a Variant of Uncertain Significance. Algorithms developed to predict the effect of missense changes on protein structure and function (SIFT, PolyPhen-2, Align-GVGD) all suggest that this variant is likely to be tolerated. This variant has not been reported in the literature in individuals affected with AP3B1-related conditions. This variant is not present in population databases (gnomAD no frequency). This sequence change replaces methionine, which is neutral and non-polar, with leucine, which is neutral and non-polar, at codon 247 of the AP3B1 protein (p.Met247Leu).